The following is an entry in ClinVar:

ClinVar aggregate classification (germline): Uncertain significance (1 of 4 stars; one submission).

Allele frequency attached by ClinVar (database versions not stated): gnomAD exomes below 0.00001; ExAC 0.00001.

Submission:

Labcorp Genetics (formerly Invitae), Labcorp
Classification: Uncertain significance. Last evaluated: 2022-08-10. Review status: criteria provided, single submitter. Criteria: Invitae Variant Classification Sherloc (09022015). Collection method: clinical testing. Allele origin: germline.
Comment: In summary, the available evidence is currently insufficient to determine the role of this variant in disease. Therefore, it has been classified as a Variant of Uncertain Significance. Algorithms developed to predict the effect of sequence changes on RNA splicing suggest that this variant may disrupt the consensus splice site. This variant has not been reported in the literature in individuals affected with COL11A1-related conditions. This variant is not present in population databases (gnomAD no frequency). This sequence change falls in intron 37 of the COL11A1 gene. It does not directly change the encoded amino acid sequence of the COL11A1 protein.

NM_001854.4(COL11A1):c.2862+15_2862+43del

Gene: COL11A1 (collagen type XI alpha 1 chain; minus strand). Cytogenetic location: 1p21.1.
Variant type: Deletion.
Coding change: c.2862+15_2862+43del on transcript NM_001854.4 (MANE Select); bases 15 to 43 of the intron after coding-DNA position 2862, 29 bases deleted (TACTCTTATTAAAAATTTCCATCTCTAGC).
Molecular consequence: intron variant.
Genome position (GRCh38, 1-based): chr1:102,970,176-102,970,204, GCTAGAGATGGAAATTTTTAATAAGAGTA deleted on the plus strand (TACTCTTATTAAAAATTTCCATCTCTAGC on the coding strand, the reverse complement: COL11A1 is on the minus strand). VCF-style (leftmost placement, unchanged base first): chr1-102970175-TGCTAGAGATGGAAATTTTTAATAAGAGTA-T. GRCh37 (hg19) VCF-style: chr1-103435731-TGCTAGAGATGGAAATTTTTAATAAGAGTA-T.
Other names: c.2745+15_2745+43del (NM_001190709.2); c.2898+15_2898+43del (NM_080629.3); c.2514+15_2514+43del (NM_080630.4).
Identifiers: ClinVar variation 1961543 (VCV001961543.5), dbSNP rs755901629, ClinGen allele CA974246.